The following is an entry in ClinVar:

NM_199355.4(ADAMTS18):c.1435C>T (p.Arg479Cys)

Gene: ADAMTS18 (ADAM metallopeptidase with thrombospondin type 1 motif 18; minus strand). Cytogenetic location: 16q23.1.
Variant type: single nucleotide variant.
Coding change: c.1435C>T on transcript NM_199355.4 (MANE Select); coding-DNA position 1435, C replaced by T.
Protein change: p.Arg479Cys; replaces arginine 479 with cysteine.
Molecular consequence: missense variant.
Genome position (GRCh38, 1-based): chr16:77,355,965, G>A on the plus strand (C>T on the coding strand, the complement: ADAMTS18 is on the minus strand). VCF-style: chr16-77355965-G-A. GRCh37 (hg19) VCF-style: chr16-77389862-G-A.
Other names: c.919C>T, p.Arg307Cys (NM_001326358.2); short protein forms R479C, R307C.
Identifiers: ClinVar variation 1421662 (VCV001421662.8), dbSNP rs1263485639, ClinGen allele CA396834744.

ClinVar aggregate classification (germline): Uncertain significance (1 of 4 stars; one submission).

Allele frequency attached by ClinVar (database versions not stated): gnomAD exomes below 0.00001; TOPMed below 0.00001; gnomAD 0.00001.
gnomAD v4.1: 7 of 1,613,912 alleles (0.00043%); highest among the groups gnomAD compares: East Asian, 0.0045%; no homozygotes.

Submission:

Labcorp Genetics (formerly Invitae), Labcorp
Classification: Uncertain significance. Last evaluated: 2022-04-28. Review status: criteria provided, single submitter. Criteria: Invitae Variant Classification Sherloc (09022015). Collection method: clinical testing. Allele origin: germline.
Comment: This sequence change replaces arginine, which is basic and polar, with cysteine, which is neutral and slightly polar, at codon 479 of the ADAMTS18 protein (p.Arg479Cys). The frequency data for this variant in the population databases is considered unreliable, as metrics indicate poor data quality at this position in the gnomAD database. This variant has not been reported in the literature in individuals affected with ADAMTS18-related conditions. Algorithms developed to predict the effect of missense changes on protein structure and function are either unavailable or do not agree on the potential impact of this missense change (SIFT: "Not Available"; PolyPhen-2: "Probably Damaging"; Align-GVGD: "Not Available"). In summary, the available evidence is currently insufficient to determine the role of this variant in disease. Therefore, it has been classified as a Variant of Uncertain Significance.